The following is an entry in ClinVar:

ClinVar aggregate classification (germline): Benign. Review status: criteria provided, multiple submitters, no conflicts (2 of 4 stars). 3 submissions from 3 submitters: Benign (3). Last evaluated 2024-07-15.

Allele frequency attached by ClinVar (database versions not stated): gnomAD exomes 0.15885 and 0.18226; ExAC 0.18780; gnomAD 0.22390 and 0.22639; ESP Exome Variant Server 0.22731; TOPMed 0.23378; 1000 Genomes Project 0.27616; 1000 Genomes Project 30x 0.27842.
gnomAD v4.1: 266,544 of 1,611,636 alleles (17%); highest among the groups gnomAD compares: African/African-American, 39%; 25,312 homozygotes.

Submissions (3):

Unidad de Genómica Garrahan, Hospital de Pediatría Garrahan
Classification: Benign. Last evaluated: 2024-07-15. Review status: criteria provided, single submitter. Criteria: ACMG Guidelines, 2015. Collection method: clinical testing. Allele origin: germline. Affected: no. Observed: 27 variant alleles.
Comment: This variant is classified as Benign based on local population frequency. This variant was detected in 29% of patients studied in a panel designed for Epileptic and Developmental Encephalopathy and Progressive Myoclonus Epilepsy. Number of patients: 27. Only high quality variants are reported.

GeneDx
Classification: Benign. Last evaluated: 2018-06-25. Review status: criteria provided, single submitter. Criteria: GeneDx Variant Classification Process June 2021. Collection method: clinical testing. Allele origin: germline. Affected: yes.

Breakthrough Genomics
Classification: Benign. Review status: criteria provided, single submitter. Criteria: ACMG Guidelines, 2015. Collection method: not provided. Allele origin: germline. Inheritance: Autosomal recessive inheritance. Affected: yes.

NM_005506.4(SCARB2):c.994+26T>C

Gene: SCARB2 (scavenger receptor class B member 2; minus strand). Cytogenetic location: 4q21.1.
Variant type: single nucleotide variant.
Coding change: c.994+26T>C on transcript NM_005506.4 (MANE Select); 26 bases into the intron after coding-DNA position 994, T replaced by C.
Molecular consequence: intron variant.
Genome position (GRCh38, 1-based): chr4:76,174,118, A>G on the plus strand (T>C on the coding strand, the complement: SCARB2 is on the minus strand). VCF-style: chr4-76174118-A-G. GRCh37 (hg19) VCF-style: chr4-77095271-A-G.
Other names: c.565+26T>C (NM_001204255.2).
Identifiers: ClinVar variation 1291068 (VCV001291068.5), dbSNP rs3821981, ClinGen allele CA2970209.